The following is an entry in ClinVar:

NM_007227.3(GPR45):c.211C>T (p.Leu71=)

Gene: GPR45 (G protein-coupled receptor 45; plus strand). Cytogenetic location: 2q12.1.
Variant type: single nucleotide variant.
Coding change: c.211C>T on transcript NM_007227.3 (MANE Select); coding-DNA position 211, C replaced by T.
Protein change: p.Leu71=; no amino-acid change (leucine 71 retained).
Molecular consequence: synonymous variant.
Genome position (GRCh38, 1-based): chr2:105,242,069, C>T. VCF-style: chr2-105242069-C-T. GRCh37 (hg19) VCF-style: chr2-105858526-C-T.
Identifiers: ClinVar variation 2723269 (VCV002723269.3), dbSNP rs957871187, ClinGen allele CA53397924.

ClinVar aggregate classification (germline): Uncertain significance (1 of 4 stars; one submission).

Allele frequency attached by ClinVar (database versions not stated): gnomAD 0.00001; gnomAD exomes 0.00001; TOPMed 0.00001.

Submission:

Labcorp Genetics (formerly Invitae), Labcorp
Classification: Uncertain significance. Last evaluated: 2023-12-27. Review status: criteria provided, single submitter. Criteria: Invitae Variant Classification Sherloc (09022015). Collection method: clinical testing. Allele origin: germline.
Comment: This sequence change affects codon 71 of the GPR45 mRNA. It is a 'silent' change, meaning that it does not change the encoded amino acid sequence of the GPR45 protein. This variant is present in population databases (no rsID available, gnomAD 0.01%). This variant has not been reported in the literature in individuals affected with GPR45-related conditions. In summary, the available evidence is currently insufficient to determine the role of this variant in disease. Therefore, it has been classified as a Variant of Uncertain Significance.